The following is an entry in ClinVar:

NM_001035.3(RYR2):c.5507A>T (p.Asn1836Ile)

Gene: RYR2 (ryanodine receptor 2; plus strand). Cytogenetic location: 1q43.
Variant type: single nucleotide variant.
Coding change: c.5507A>T on transcript NM_001035.3 (MANE Select); coding-DNA position 5507, A replaced by T.
Protein change: p.Asn1836Ile; replaces asparagine 1836 with isoleucine.
Molecular consequence: missense variant.
Genome position (GRCh38, 1-based): chr1:237,614,635, A>T. VCF-style: chr1-237614635-A-T. GRCh37 (hg19) VCF-style: chr1-237777935-A-T.
Other names: short protein forms N1836I.
Identifiers: ClinVar variation 5028689 (VCV005028689.1).
Genomic context (GRCh38, chr1:237,614,635, plus strand): 5'-TCCTCTTTGTACCTCTCATCAAGCTTTTCTATACCCTGCTGATCATGGGCATCTTTCACA[A>T]CGAGGACTTGAAGCACATCTTGCAGTTGATTGAGCCCAGTGTGTTTAAAGAAGCTGCCAC-3'
Protein context (NP_001026.2, residues 1826-1846): YTLLIMGIFH[Asn1836Ile]EDLKHILQLI

ClinVar aggregate classification (germline): Uncertain significance (1 of 4 stars; one submission).

Conditions:
Cardiovascular phenotype. Identifiers: MedGen CN230736.

Submission:

Ambry Genetics
Classification: Uncertain significance for Cardiovascular phenotype. Last evaluated: 2026-07-19. Review status: criteria provided, single submitter. Criteria: Ambry Variant Classification Scheme 2023. Collection method: clinical testing. Allele origin: germline.
Comment: The p.N1836I variant (also known as c.5507A>T), located in coding exon 37 of the RYR2 gene, results from an A to T substitution at nucleotide position 5507. The asparagine at codon 1836 is replaced by isoleucine, an amino acid with dissimilar properties. This amino acid position is conserved. In addition, this alteration is predicted to be tolerated by in silico analysis. Based on the available evidence, the clinical significance of this variant remains unclear.